The following is an entry in ClinVar:

ClinVar aggregate classification (germline): Conflicting classifications of pathogenicity. Review status: criteria provided, conflicting classifications (1 of 4 stars). 7 submissions from 6 submitters: Uncertain significance (4); Benign (1); Likely benign (2). Last evaluated 2024-06-19.

Conditions:
Cardiovascular phenotype. Identifiers: MedGen CN230736.
Jervell and Lange-Nielsen syndrome 2 (JLNS2). Identifiers: Orphanet 768, Orphanet 90647, MedGen C2676723, MONDO:0012871, OMIM 612347.
Long QT syndrome 5 (LQT5). Identifiers: Orphanet 101016, Orphanet 768, MedGen C1867904, MONDO:0013372, OMIM 613695.

Allele frequency attached by ClinVar (database versions not stated): gnomAD 0.00005; TOPMed 0.00006; gnomAD exomes 0.00007; ExAC 0.00008; 1000 Genomes Project 30x 0.00031; 1000 Genomes Project 0.00040.

Submissions (7):

Mayo Clinic Laboratories, Mayo Clinic
Classification: Uncertain significance. Last evaluated: 2024-06-19. Review status: criteria provided, single submitter. Criteria: ACMG Guidelines, 2015. Collection method: clinical testing. Allele origin: germline. Observed: 1 variant allele.

Women's Health and Genetics/Laboratory Corporation of America, LabCorp
Classification: Benign. Last evaluated: 2023-05-22. Review status: criteria provided, single submitter. Criteria: LabCorp Variant Classification Summary - May 2015. Collection method: clinical testing. Allele origin: germline.
Comment: Variant summary: KCNE1 c.-5C>A is located in the untranslated mRNA region upstream of the initiation codon. The variant allele was found at a frequency of 6.8e-05 in 250842 control chromosomes, predominantly at a frequency of 0.00093 within the East Asian subpopulation in the gnomAD database. The observed variant frequency within East Asian control individuals in the gnomAD database is approximately 446.4 fold of the estimated maximal estimated allele frequency for a pathogenic variant in KCNE1 causing Long QT Syndrome phenotype (2.1e-06), strongly suggesting that the variant is a benign polymorphism found primarily in populations of East Asian origin. c.-5C>A has been reported in the literature in at least one individual affected with atrioventricular nodal reentry tachycardia, however without strong evidence for causality (e.g., Luo_2020). This report therefore does not provide unequivocal conclusions about association of the variant with Long QT Syndrome. To our knowledge, no experimental evidence demonstrating an impact on protein function has been reported. The following publication was ascertained in the context of this evaluation (PMID: 32508047). Four ClinVar submitters (evaluation after 2014) have cited with conflicting assessments: two submitters classified the variant as likely benign, and two submitters classified the variant as VUS. Based on the evidence outlined above, the variant was classified as benign.

Ambry Genetics
Classification: Likely benign for Cardiovascular phenotype. Last evaluated: 2021-05-25. Review status: criteria provided, single submitter. Criteria: Ambry Variant Classification Scheme 2023. Collection method: clinical testing. Allele origin: germline.

GeneDx
Classification: Likely benign. Last evaluated: 2020-07-27. Review status: criteria provided, single submitter. Criteria: GeneDx Variant Classification Process June 2021. Collection method: clinical testing. Allele origin: germline. Affected: yes.

Illumina Laboratory Services, Illumina
Classification: Uncertain significance for Long QT syndrome 5. Last evaluated: 2018-01-12. Review status: criteria provided, single submitter. Criteria: ICSL Variant Classification Criteria 13 December 2019. Collection method: clinical testing. Allele origin: germline.

Illumina Laboratory Services, Illumina
Classification: Uncertain significance for Jervell and Lange-Nielsen syndrome 2. Last evaluated: 2018-01-12. Review status: criteria provided, single submitter. Criteria: ICSL Variant Classification Criteria 13 December 2019. Collection method: clinical testing. Allele origin: germline.

Laboratory for Molecular Medicine, Mass General Brigham Personalized Medicine
Classification: Uncertain significance. Last evaluated: 2017-09-14. Review status: criteria provided, single submitter. Criteria: LMM Criteria. Collection method: clinical testing. Allele origin: germline. Observed: 1 variant allele.
Comment: The c.-5C>A variant in KCNE1 has not been previously reported in individuals wit h arrhythmia or hearing loss, but has been identified in 0.1% (19/18862) of East Asian chromosomes by the Genome Aggregation Database (gnomAD; dbSNP rs191334763).This variant is located in the 5' UTR and is part of the translation initiation (Kozak) sequence, but its effect on translat ion is unknown. In summary, the clinical significance of the c.-5C>A variant is uncertain.

Literature cited by the submitters: PubMed 32508047 (cited by Mayo Clinic Laboratories, Mayo Clinic and Women's Health and Genetics/Laboratory Corporation of America, LabCorp).

NM_000219.6(KCNE1):c.-5C>A

Gene: KCNE1 (potassium voltage-gated channel subfamily E regulatory subunit 1; minus strand). Cytogenetic location: 21q22.12.
Variant type: single nucleotide variant.
Coding change: c.-5C>A on transcript NM_000219.6 (MANE Select); 5 bases upstream of the start codon, C replaced by A.
Molecular consequence: 5 prime UTR variant.
Genome position (GRCh38, 1-based): chr21:34,449,639, G>T on the plus strand (C>A on the coding strand, the complement: KCNE1 is on the minus strand). VCF-style: chr21-34449639-G-T. GRCh37 (hg19) VCF-style: chr21-35821937-G-T.
Other names: c.-5C>A (NM_001127668.4, NM_001127669.4, NM_001127670.4 and 5 more transcripts).
Identifiers: ClinVar variation 504745 (VCV000504745.16), dbSNP rs191334763, ClinGen allele CA320425589.